The following is an entry in ClinVar:

NM_001042631.3(SDHAF1):c.116A>C (p.His39Pro)

Gene: SDHAF1 (succinate dehydrogenase complex assembly factor 1; plus strand). Cytogenetic location: 19q13.12.
Variant type: single nucleotide variant.
Coding change: c.116A>C on transcript NM_001042631.3 (MANE Select); coding-DNA position 116, A replaced by C.
Protein change: p.His39Pro; replaces histidine 39 with proline.
Molecular consequence: missense variant.
Genome position (GRCh38, 1-based): chr19:35,995,390, A>C. VCF-style: chr19-35995390-A-C. GRCh37 (hg19) VCF-style: chr19-36486292-A-C.
Other names: short protein forms H39P.
Identifiers: ClinVar variation 1921025 (VCV001921025.6), dbSNP rs1267243470, ClinGen allele CA405423461.

ClinVar aggregate classification (germline): Uncertain significance. Review status: criteria provided, multiple submitters, no conflicts (2 of 4 stars). 2 submissions from 2 submitters: Uncertain significance (2). Last evaluated 2023-08-31.

Allele frequency attached by ClinVar (database versions not stated): gnomAD exomes 0.00001.
gnomAD v4.1: 3 of 1,561,124 alleles (0.00019%); highest among the groups gnomAD compares: Admixed American, 0.0055%; no homozygotes.

Submissions (2):

Women's Health and Genetics/Laboratory Corporation of America, LabCorp
Classification: Uncertain significance. Last evaluated: 2023-08-31. Review status: criteria provided, single submitter. Criteria: LabCorp Variant Classification Summary - May 2015. Collection method: clinical testing. Allele origin: germline.
Comment: Variant summary: SDHAF1 c.116A>C (p.His39Pro) results in a non-conservative amino acid change located in the Complex 1 LYR protein domain (IPR008011) of the encoded protein sequence. Four of five in-silico tools predict a damaging effect of the variant on protein function. The variant allele was found at a frequency of 1.8e-05 in 165698 control chromosomes (gnomAD). The available data on variant occurrences in the general population are insufficient to allow any conclusion about variant significance. To our knowledge, no occurrence of c.116A>C in individuals affected with Mitochondrial Complex 2 Deficiency, Nuclear Type 2 and no experimental evidence demonstrating its impact on protein function have been reported. One submitter has cited clinical-significance assessments for this variant to ClinVar after 2014 and has classified the variant as uncertain significance. Based on the evidence outlined above, the variant was classified as uncertain significance.

Labcorp Genetics (formerly Invitae), Labcorp
Classification: Uncertain significance. Last evaluated: 2022-07-20. Review status: criteria provided, single submitter. Criteria: Invitae Variant Classification Sherloc (09022015). Collection method: clinical testing. Allele origin: germline.
Comment: This variant has not been reported in the literature in individuals affected with SDHAF1-related conditions. In summary, the available evidence is currently insufficient to determine the role of this variant in disease. Therefore, it has been classified as a Variant of Uncertain Significance. Algorithms developed to predict the effect of missense changes on protein structure and function (SIFT, PolyPhen-2, Align-GVGD) all suggest that this variant is likely to be disruptive. This variant is present in population databases (no rsID available, gnomAD 0.01%). This sequence change replaces histidine, which is basic and polar, with proline, which is neutral and non-polar, at codon 39 of the SDHAF1 protein (p.His39Pro).